The following is an entry in ClinVar:

NM_014254.3(RXYLT1):c.1139G>C (p.Gly380Ala)

Genes: RXYLT1 (ribitol xylosyltransferase 1; plus strand), RXYLT1-AS1 (RXYLT1 antisense RNA 1; minus strand). Cytogenetic location: 12q14.2.
Variant type: single nucleotide variant.
Coding change: c.1139G>C on transcript NM_014254.3 (MANE Select); coding-DNA position 1139, G replaced by C.
Protein change: p.Gly380Ala; replaces glycine 380 with alanine.
Molecular consequence: missense variant. On other transcripts: non-coding transcript variant (1).
Genome position (GRCh38, 1-based): chr12:63,808,899, G>C. VCF-style: chr12-63808899-G-C. GRCh37 (hg19) VCF-style: chr12-64202679-G-C.
Other names: c.359G>C, p.Gly120Ala (NM_001278237.2); short protein forms G380A, G120A.
Identifiers: ClinVar variation 1993597 (VCV001993597.1), dbSNP rs1898381250, ClinGen allele CA385660257.

ClinVar aggregate classification (germline): Uncertain significance (1 of 4 stars; one submission).

gnomAD v4.1: 1 of 1,614,074 alleles (0.000062%); no homozygotes.

Submission:

Labcorp Genetics (formerly Invitae), Labcorp
Classification: Uncertain significance. Last evaluated: 2022-08-09. Review status: criteria provided, single submitter. Criteria: Invitae Variant Classification Sherloc (09022015). Collection method: clinical testing. Allele origin: germline.
Comment: This sequence change replaces glycine, which is neutral and non-polar, with alanine, which is neutral and non-polar, at codon 380 of the RXYLT1 protein (p.Gly380Ala). This variant is not present in population databases (gnomAD no frequency). This variant has not been reported in the literature in individuals affected with RXYLT1-related conditions. Algorithms developed to predict the effect of missense changes on protein structure and function are either unavailable or do not agree on the potential impact of this missense change (SIFT: "Deleterious"; PolyPhen-2: "Possibly Damaging"; Align-GVGD: "Class C0"). In summary, the available evidence is currently insufficient to determine the role of this variant in disease. Therefore, it has been classified as a Variant of Uncertain Significance.